The following is an entry in ClinVar:

ClinVar aggregate classification (germline): Likely benign (1 of 4 stars; one submission).

Submission:

CeGaT Center for Human Genetics Tuebingen
Classification: Likely benign. Last evaluated: 2026-04-01. Review status: criteria provided, single submitter. Criteria: CeGaT Center For Human Genetics Tuebingen Variant Classification Criteria Version 2. Collection method: clinical testing. Allele origin: germline. Affected: yes. Observed: 5 variant alleles.
Comment: GOLGA8F: BP4, BP7

NM_001350920.2(GOLGA8F):c.1056G>A (p.Gln352=)

Gene: GOLGA8F (golgin A8 family member F; plus strand). Cytogenetic location: 15q13.1.
Variant type: single nucleotide variant.
Coding change: c.1056G>A on transcript NM_001350920.2 (MANE Select); coding-DNA position 1056, G replaced by A.
Protein change: p.Gln352=; no amino-acid change (glutamine 352 retained).
Molecular consequence: synonymous variant. On other transcripts: non-coding transcript variant (1).
Genome position (GRCh38, 1-based): chr15:28,385,303, G>A. VCF-style: chr15-28385303-G-A. GRCh37 (hg19) VCF-style: chr15-28630449-G-A.
Identifiers: ClinVar variation 3898323 (VCV003898323.7).